The following is an entry in ClinVar:

NM_002242.4(KCNJ13):c.271G>T (p.Ala91Ser)

Genes: GIGYF2 (GRB10 interacting GYF protein 2; plus strand), KCNJ13 (potassium inwardly rectifying channel subfamily J member 13; minus strand). Cytogenetic location: 2q37.1.
Variant type: single nucleotide variant.
Coding change: c.271G>T on transcript NM_002242.4 (MANE Select); coding-DNA position 271, G replaced by T.
Protein change: p.Ala91Ser; replaces alanine 91 with serine.
Molecular consequence: missense variant. On other transcripts: intron variant (5).
Genome position (GRCh38, 1-based): chr2:232,771,092, C>A on the plus strand (G>T on the coding strand, the complement: KCNJ13 is on the minus strand). VCF-style: chr2-232771092-C-A. GRCh37 (hg19) VCF-style: chr2-233635802-C-A.
Other names: c.31G>T, p.Ala11Ser (NM_001172417.1); c.532+9656C>A (NM_001103146.3, NM_015575.4, NM_001103148.2); c.533-5320C>A (NM_001103147.2); c.224+47G>T (NM_001172416.1); short protein forms A11S, A91S.
Identifiers: ClinVar variation 4701454 (VCV004701454.1).

ClinVar aggregate classification (germline): Uncertain significance (1 of 4 stars; one submission).

Submission:

Labcorp Genetics (formerly Invitae), Labcorp
Classification: Uncertain significance. Last evaluated: 2025-08-25. Review status: criteria provided, single submitter. Criteria: Invitae Variant Classification Sherloc (09022015). Collection method: clinical testing. Allele origin: germline.
Comment: This sequence change replaces alanine, which is neutral and non-polar, with serine, which is neutral and polar, at codon 91 of the KCNJ13 protein (p.Ala91Ser). This variant is not present in population databases (gnomAD no frequency). This variant has not been reported in the literature in individuals affected with KCNJ13-related conditions. An algorithm developed to predict the effect of missense changes on protein structure and function (PolyPhen-2) suggests that this variant is likely to be tolerated. In summary, the available evidence is currently insufficient to determine the role of this variant in disease. Therefore, it has been classified as a Variant of Uncertain Significance.